The following is an entry in ClinVar:

NM_000282.4(PCCA):c.97A>T (p.Thr33Ser)

Gene: PCCA (propionyl-CoA carboxylase subunit alpha; plus strand). Cytogenetic location: 13q32.3.
Variant type: single nucleotide variant.
Coding change: c.97A>T on transcript NM_000282.4 (MANE Select); coding-DNA position 97, A replaced by T.
Protein change: p.Thr33Ser; replaces threonine 33 with serine.
Molecular consequence: missense variant. On other transcripts: 5 prime UTR variant (3), non-coding transcript variant (5).
Genome position (GRCh38, 1-based): chr13:100,089,217, A>T. VCF-style: chr13-100089217-A-T. GRCh37 (hg19) VCF-style: chr13-100741471-A-T.
Other names: c.97A>T, p.Thr33Ser (NM_001352609.2, NM_001127692.3, NM_001178004.2 and 4 more transcripts); c.-770A>T (NM_001352610.2, NM_001352611.2, NM_001352612.2); short protein forms T33S.
Identifiers: ClinVar variation 1690485 (VCV001690485.2), dbSNP rs1266738147, ClinGen allele CA388692767.

ClinVar aggregate classification (germline): Uncertain significance (1 of 4 stars; one submission).

Allele frequency attached by ClinVar (database versions not stated): gnomAD exomes 0.00001.

Submission:

Laboratorio de Genetica e Diagnostico Molecular, Hospital Israelita Albert Einstein
Classification: Uncertain significance. Last evaluated: 2021-11-16. Review status: criteria provided, single submitter. Criteria: ACMG Guidelines, 2015. Collection method: clinical testing. Allele origin: germline. Affected: yes.
Comment: ACMG classification criteria: PM2, BP4